The following is an entry in ClinVar:

NM_001903.5(CTNNA1):c.1958G>C (p.Arg653Thr)

Gene: CTNNA1 (catenin alpha 1; plus strand). Cytogenetic location: 5q31.2.
Variant type: single nucleotide variant.
Coding change: c.1958G>C on transcript NM_001903.5 (MANE Select); coding-DNA position 1958, G replaced by C.
Protein change: p.Arg653Thr; replaces arginine 653 with threonine.
Molecular consequence: missense variant.
Genome position (GRCh38, 1-based): chr5:138,929,304, G>C. VCF-style: chr5-138929304-G-C. GRCh37 (hg19) VCF-style: chr5-138264993-G-C.
Other names: c.1958G>C, p.Arg653Thr (NM_001290307.3, NM_001323982.2, NM_001323983.1 and 2 more transcripts); c.1649G>C, p.Arg550Thr (NM_001290309.3); c.1589G>C, p.Arg530Thr (NM_001290310.3); c.848G>C, p.Arg283Thr (NM_001290312.1, NM_001323987.1, NM_001323988.1 and 17 more transcripts); c.1865G>C, p.Arg622Thr (NM_001323986.2); c.509G>C, p.Arg170Thr (NM_001324006.1, NM_001324007.1, NM_001324008.1 and 2 more transcripts); c.755G>C, p.Arg252Thr (NM_001324011.1); c.605G>C, p.Arg202Thr (NM_001324012.1, NM_001324013.1); and 1 more; short protein forms R283T, R530T, R202T, R550T, R622T, R170T, R252T, R653T.
Identifiers: ClinVar variation 834129 (VCV000834129.10), dbSNP rs1764802060, ClinGen allele CA361132806.

ClinVar aggregate classification (germline): Uncertain significance. Review status: criteria provided, multiple submitters, no conflicts (2 of 4 stars). 2 submissions from 2 submitters: Uncertain significance (2). Last evaluated 2024-07-25.

Conditions:
Hereditary cancer-predisposing syndrome. Also called: Hereditary neoplastic syndrome; Neoplastic Syndromes, Hereditary; Tumor predisposition; Hereditary Cancer Syndrome. Identifiers: Orphanet 140162, MedGen C0027672, MeSH D009386, MONDO:0015356.

Submissions (2):

Ambry Genetics
Classification: Uncertain significance for Hereditary cancer-predisposing syndrome. Last evaluated: 2024-07-25. Review status: criteria provided, single submitter. Criteria: Ambry Variant Classification Scheme 2023. Collection method: clinical testing. Allele origin: germline.
Comment: The p.R653T variant (also known as c.1958G>C), located in coding exon 13 of the CTNNA1 gene, results from a G to C substitution at nucleotide position 1958. The arginine at codon 653 is replaced by threonine, an amino acid with similar properties. This amino acid position is well conserved in available vertebrate species. In addition, the in silico prediction for this alteration is inconclusive. The evidence for this gene-disease relationship is limited; therefore, the clinical significance of this alteration is unclear.

Labcorp Genetics (formerly Invitae), Labcorp
Classification: Uncertain significance. Last evaluated: 2023-05-18. Review status: criteria provided, single submitter. Criteria: Invitae Variant Classification Sherloc (09022015). Collection method: clinical testing. Allele origin: germline.
Comment: This variant is not present in population databases (gnomAD no frequency). In summary, the available evidence is currently insufficient to determine the role of this variant in disease. Therefore, it has been classified as a Variant of Uncertain Significance. Advanced modeling of protein sequence and biophysical properties (such as structural, functional, and spatial information, amino acid conservation, physicochemical variation, residue mobility, and thermodynamic stability) performed at Invitae indicates that this missense variant is not expected to disrupt CTNNA1 protein function. ClinVar contains an entry for this variant (Variation ID: 834129). This variant has not been reported in the literature in individuals affected with CTNNA1-related conditions. This sequence change replaces arginine, which is basic and polar, with threonine, which is neutral and polar, at codon 653 of the CTNNA1 protein (p.Arg653Thr).